The following is an entry in ClinVar:

ClinVar aggregate classification (germline): Uncertain significance (1 of 4 stars; one submission).

Conditions:
Inborn genetic diseases. Identifiers: MedGen C0950123, MeSH D030342.

Submission:

Ambry Genetics
Classification: Uncertain significance for Inborn genetic diseases. Last evaluated: 2026-07-06. Review status: criteria provided, single submitter. Criteria: Ambry Variant Classification Scheme 2023. Collection method: clinical testing. Allele origin: germline.
Comment: The c.4967C>T (p.P1656L) alteration is located in exon 24 (coding exon 24) of the SCN4A gene. This alteration results from a C to T substitution at nucleotide position 4967, causing the proline (P) at amino acid position 1656 to be replaced by a leucine (L). This variant was not reported in population-based cohorts in the Genome Aggregation Database (gnomAD). This amino acid position is highly conserved in available vertebrate species. This alteration is predicted to be deleterious by in silico analysis. Based on insufficient or conflicting evidence, the clinical significance of this alteration remains unclear.

NM_000334.4(SCN4A):c.4967C>T (p.Pro1656Leu)

Genes: GH-LCR (growth hormone locus control region; plus strand), SCN4A (sodium voltage-gated channel alpha subunit 4; minus strand). Cytogenetic location: 17q23.3.
Variant type: single nucleotide variant.
Coding change: c.4967C>T on transcript NM_000334.4 (MANE Select); coding-DNA position 4967, C replaced by T.
Protein change: p.Pro1656Leu; replaces proline 1656 with leucine.
Molecular consequence: missense variant.
Genome position (GRCh38, 1-based): chr17:63,941,315, G>A on the plus strand (C>T on the coding strand, the complement: SCN4A is on the minus strand). VCF-style: chr17-63941315-G-A. GRCh37 (hg19) VCF-style: chr17-62018675-G-A.
Other names: short protein forms P1656L.
Identifiers: ClinVar variation 5029127 (VCV005029127.1).